The following is an entry in ClinVar:

ClinVar aggregate classification (germline): Benign. Review status: criteria provided, multiple submitters, no conflicts (2 of 4 stars). 2 submissions from 2 submitters: Benign (2). Last evaluated 2018-06-16.

Allele frequency attached by ClinVar (database versions not stated): gnomAD exomes 0.00275 and 0.00709; ExAC 0.01120; gnomAD 0.02896 and 0.03106; 1000 Genomes Project 0.02915; ESP Exome Variant Server 0.03066; 1000 Genomes Project 30x 0.03154; TOPMed 0.03382.
gnomAD v4.1: 8,602 of 1,602,112 alleles (0.54%); highest among the groups gnomAD compares: African/African-American, 10%; 387 homozygotes.

Submissions (2):

GeneDx
Classification: Benign. Last evaluated: 2018-06-16. Review status: criteria provided, single submitter. Criteria: GeneDx Variant Classification (06012015). Collection method: clinical testing. Allele origin: germline. Affected: yes.
Comment: This variant is considered likely benign or benign based on one or more of the following criteria: it is a conservative change, it occurs at a poorly conserved position in the protein, it is predicted to be benign by multiple in silico algorithms, and/or has population frequency not consistent with disease.

Breakthrough Genomics
Classification: Benign. Review status: criteria provided, single submitter. Criteria: ACMG Guidelines, 2015. Collection method: not provided. Allele origin: germline. Inheritance: Autosomal recessive inheritance. Affected: yes.

NM_001195518.2(MICU1):c.1270+26A>T

Gene: MICU1 (mitochondrial calcium uptake 1; minus strand). Cytogenetic location: 10q22.1.
Variant type: single nucleotide variant.
Coding change: c.1270+26A>T on transcript NM_001195518.2 (MANE Select); 26 bases into the intron after coding-DNA position 1270, A replaced by T.
Molecular consequence: intron variant.
Genome position (GRCh38, 1-based): chr10:72,375,757, T>A on the plus strand (A>T on the coding strand, the complement: MICU1 is on the minus strand). VCF-style: chr10-72375757-T-A. GRCh37 (hg19) VCF-style: chr10-74135515-T-A.
Other names: c.1276+26A>T (NM_006077.4); c.1288+26A>T (NM_001363513.2); c.676+26A>T (NM_001195519.2).
Identifiers: ClinVar variation 676315 (VCV000676315.2), dbSNP rs116533383, ClinGen allele CA5550015.
Genomic context (GRCh38, chr10:72,375,757, plus strand): 5'-TGCTGTCCGCAAGGCTCCATTATACACAAGGGCCTCTAAGGGCAGCTAGGCTGTTTCCCC[T>A]CCGGGCTCCAGAGGGCCCCACTCACCATCACAGTCAAAGAGTGCAAACACCACATCACAC-3'